The following is an entry in ClinVar:

NM_001330260.2(SCN8A):c.1998+17C>T

Gene: SCN8A (sodium voltage-gated channel alpha subunit 8; plus strand). Cytogenetic location: 12q13.13.
Variant type: single nucleotide variant.
Coding change: c.1998+17C>T on transcript NM_001330260.2 (MANE Select); 17 bases into the intron after coding-DNA position 1998, C replaced by T.
Molecular consequence: intron variant.
Genome position (GRCh38, 1-based): chr12:51,721,925, C>T. VCF-style: chr12-51721925-C-T. GRCh37 (hg19) VCF-style: chr12-52115709-C-T.
Other names: c.1998+17C>T (NM_014191.4, NM_001177984.3, NM_001369788.1).
Identifiers: ClinVar variation 2957309 (VCV002957309.3), dbSNP rs2540204660, ClinGen allele CA385230053.
Genomic context (GRCh38, chr12:51,721,925, plus strand): 5'-TCGGCGGCCCCGGCTCCCACATCGGCGGGCGTCTCCTGCCAGAGGTGAAAATTGATAAGG[C>T]AGCTACCGATGACAGTGTAAGGAAGAACACAAATAGATCGAGGCTAGGCATGGCAGTCTC-3'

ClinVar aggregate classification (germline): Uncertain significance (1 of 4 stars; one submission).

Conditions:
Early-infantile DEE. Also called: Early infantile epileptic encephalopathy with suppression bursts; Early infantile epileptic encephalopathy; Ohtahara syndrome. Identifiers: Orphanet 1934, MedGen C0393706, MONDO:0800491.

Submission:

Labcorp Genetics (formerly Invitae), Labcorp
Classification: Uncertain significance for Early-infantile DEE. Last evaluated: 2023-02-11. Review status: criteria provided, single submitter. Criteria: Invitae Variant Classification Sherloc (09022015). Collection method: clinical testing. Allele origin: germline.
Comment: This sequence change falls in intron 12 of the SCN8A gene. It does not directly change the encoded amino acid sequence of the SCN8A protein. This variant is not present in population databases (gnomAD no frequency). This variant has not been reported in the literature in individuals affected with SCN8A-related conditions. Algorithms developed to predict the effect of sequence changes on RNA splicing suggest that this variant may disrupt the consensus splice site. In summary, the available evidence is currently insufficient to determine the role of this variant in disease. Therefore, it has been classified as a Variant of Uncertain Significance.